The following is an entry in ClinVar:

NM_001042492.3(NF1):c.6439dup (p.Gln2147fs)

Gene: NF1 (neurofibromin 1; plus strand). Cytogenetic location: 17q11.2.
Variant type: Duplication.
Coding change: c.6439dup on transcript NM_001042492.3 (MANE Select); coding-DNA position 6439, one base duplicated (C; older notation c.6439dupC).
Protein change: p.Gln2147fs; shifts the reading frame from glutamine 2147.
Molecular consequence: frameshift variant.
Genome position (GRCh38, 1-based): chr17:31,337,379, C duplicated. VCF-style (leftmost placement, unchanged base first): chr17-31337378-G-GC. GRCh37 (hg19) VCF-style: chr17-29664396-G-GC.
Other names: c.6376dup, p.Gln2126fs (NM_000267.4); short protein forms Q2126fs, Q2147fs.
Identifiers: ClinVar variation 4884405 (VCV004884405.1).

ClinVar aggregate classification (germline): Likely pathogenic (1 of 4 stars; one submission).

Conditions:
Neurofibromatosis, type 1 (NF1). Also called: VON RECKLINGHAUSEN DISEASE; NEUROFIBROMATOSIS, TYPE I, SOMATIC; Peripheral type neurofibromatosis; Neurofibromatosis, type I. Identifiers: Orphanet 636, MedGen C0027831, MONDO:0018975, OMIM 162200. Disease mechanism: loss of function.

Submission:

Division of Genetic & Genomic Pathology, Hong Kong Children's Hospital
Classification: Likely pathogenic for Neurofibromatosis, type 1. Last evaluated: 2024-07-26. Review status: criteria provided, single submitter. Criteria: ACMG Guidelines, 2015. Collection method: clinical testing. Allele origin: germline. Affected: yes.
Comment: NF1 c.6376dup is a 1-bp frameshift duplication located in exon 42 out of 57 exons of the NF1 gene. It creates a premature stop codon and is predicted to cause loss of normal protein function either by protein truncation or nonsense-mediated mRNA decay. Loss-of-function variants in the NF1 gene are known to be pathogenic (PMID: 10712197, 23913538). This variant is not present in population databases (gnomAD v2.1.1 and gnomAD v4.1.0), and is not reported in ClinVar database or HGMD (Professional 2024.2). For these reasons, this variant is classified as likely pathogenic.

Literature cited by the submitters: PubMed 10712197; PubMed 23913538.